The following is an entry in ClinVar:

ClinVar aggregate classification (germline): Pathogenic. Review status: criteria provided, multiple submitters, no conflicts (2 of 4 stars). 5 submissions from 5 submitters: Pathogenic (5). Last evaluated 2023-12-14.

Conditions:
Bethlem myopathy 1A. Also called: Bethlem myopathy 1; Bethlem Muscular Dystrophy; MYOPATHY, BENIGN CONGENITAL, WITH CONTRACTURES. Identifiers: Orphanet 610, MedGen CN029274, MONDO:0024530, OMIM 158810.

Submissions (5):

GeneDx
Classification: Pathogenic. Last evaluated: 2023-12-14. Review status: criteria provided, single submitter. Criteria: GeneDx Variant Classification Process June 2021. Collection method: clinical testing. Allele origin: germline. Affected: yes.
Comment: Not observed at significant frequency in large population cohorts (gnomAD); Deletions involving coding exons of this gene are a known mechanism of disease (HGMD); Canonical splice site variant predicted to result in an in-frame loss of the adjacent exon in a gene for which loss of function is a known mechanism of disease; This variant is associated with the following publications: (PMID: 18378883, 34167565)

Labcorp Genetics (formerly Invitae), Labcorp
Classification: Pathogenic for Bethlem myopathy 1A. Last evaluated: 2022-09-06. Review status: criteria provided, single submitter. Criteria: Invitae Variant Classification Sherloc (09022015). Collection method: clinical testing. Allele origin: germline.
Comment: For these reasons, this variant has been classified as Pathogenic. Algorithms developed to predict the effect of sequence changes on RNA splicing suggest that this variant may disrupt the consensus splice site. ClinVar contains an entry for this variant (Variation ID: 286179). Disruption of this splice site has been observed in individual(s) with autosomal dominant Bethlem myopathy (PMID: 18378883, 25535305). In at least one individual the variant was observed to be de novo. This variant is not present in population databases (gnomAD no frequency). This sequence change affects an acceptor splice site in intron 13 of the COL6A1 gene. It is expected to disrupt RNA splicing. Variants that disrupt the donor or acceptor splice site typically lead to a loss of protein function (PMID: 16199547), and loss-of-function variants in COL6A1 are known to be disease-causing for autosomal recessive COL6A1 conditions (PMID: 21280092, 20976770). However, certain variants affecting donor or acceptor splice sites in the triple helical domain of COL6A1 are expected to result in in-frame exon skipping and have been reported to cause autosomal dominant COL6A1-related conditions (PMID: 18366090).

Revvity Omics, Revvity
Classification: Pathogenic. Last evaluated: 2021-03-10. Review status: criteria provided, single submitter. Criteria: ACMG Guidelines, 2015. Collection method: clinical testing. Allele origin: germline.

CeGaT Center for Human Genetics Tuebingen
Classification: Pathogenic. Last evaluated: 2019-03-01. Review status: criteria provided, single submitter. Criteria: CeGaT Center For Human Genetics Tuebingen Variant Classification Criteria Version 2. Collection method: clinical testing. Allele origin: germline. Affected: yes. Observed: 1 variant allele.

Eurofins Ntd Llc (ga)
Classification: Pathogenic. Last evaluated: 2016-02-08. Review status: criteria provided, single submitter. Criteria: EGL Classification Definitions 2015. Collection method: clinical testing. Allele origin: germline. Observed: 1 variant allele, 1 heterozygote.

Literature cited by the submitters: PubMed 18378883 (cited by Labcorp Genetics (formerly Invitae), Labcorp); PubMed 25535305 (cited by Labcorp Genetics (formerly Invitae), Labcorp); PubMed 16199547 (cited by Labcorp Genetics (formerly Invitae), Labcorp); PubMed 21280092 (cited by Labcorp Genetics (formerly Invitae), Labcorp); PubMed 20976770 (cited by Labcorp Genetics (formerly Invitae), Labcorp); PubMed 18366090 (cited by Labcorp Genetics (formerly Invitae), Labcorp).

NM_001848.3(COL6A1):c.1003-1G>A

Gene: COL6A1 (collagen type VI alpha 1 chain; plus strand). Cytogenetic location: 21q22.3.
Variant type: single nucleotide variant.
Coding change: c.1003-1G>A on transcript NM_001848.3 (MANE Select); the canonical splice acceptor site of the intron before coding-DNA position 1003, G replaced by A.
Molecular consequence: splice acceptor variant.
Genome position (GRCh38, 1-based): chr21:45,990,772, G>A. VCF-style: chr21-45990772-G-A. GRCh37 (hg19) VCF-style: chr21-47410686-G-A.
Identifiers: ClinVar variation 286179 (VCV000286179.59), dbSNP rs886043330, ClinGen allele CA10605388.